The following is an entry in ClinVar:

NM_000093.5(COL5A1):c.1157C>T (p.Ser386Phe)

Gene: COL5A1 (collagen type V alpha 1 chain; plus strand). Cytogenetic location: 9q34.3.
Variant type: single nucleotide variant.
Coding change: c.1157C>T on transcript NM_000093.5 (MANE Select); coding-DNA position 1157, C replaced by T.
Protein change: p.Ser386Phe; replaces serine 386 with phenylalanine.
Molecular consequence: missense variant.
Genome position (GRCh38, 1-based): chr9:134,730,468, C>T. VCF-style: chr9-134730468-C-T. GRCh37 (hg19) VCF-style: chr9-137622314-C-T.
Other names: c.1157C>T, p.Ser386Phe (NM_001278074.1); short protein forms S386F.
Identifiers: ClinVar variation 861371 (VCV000861371.14), dbSNP rs773041897, ClinGen allele CA5318649.

ClinVar aggregate classification (germline): Likely benign. Review status: criteria provided, single submitter (1 of 4 stars). 2 submissions from 2 submitters: Likely benign (1). 1 of the submissions does not count toward it. Last evaluated 2025-06-22.

Conditions:
Ehlers-Danlos syndrome, classic type (cEDS). Identifiers: Orphanet 287, MedGen C4225429, MONDO:0007522.
COL5A1-related disorder. Also called: COL5A1-related condition.
Ehlers-Danlos syndrome, classic type, 1 (EDSCL1). Also called: Ehlers-Danlos syndrome, type 1; Ehlers-Danlos Syndrome, Classic Type, COL5A1-Related; EDS I; EHLERS-DANLOS SYNDROME, GRAVIS TYPE; EHLERS-DANLOS SYNDROME, SEVERE CLASSIC TYPE. Identifiers: MedGen C0268335, MONDO:0019567, OMIM 130000.

Allele frequency attached by ClinVar (database versions not stated): gnomAD exomes 0.00001 and 0.00002; gnomAD 0.00001; TOPMed 0.00002; ExAC 0.00003.
gnomAD v4.1: 16 of 1,614,018 alleles (0.00099%); highest among the groups gnomAD compares: Non-Finnish European, 0.0014%; no homozygotes.

Submissions (2):

Labcorp Genetics (formerly Invitae), Labcorp
Classification: Likely benign for Ehlers-Danlos syndrome, classic type, 1. Last evaluated: 2025-06-22. Review status: criteria provided, single submitter. Criteria: Invitae Variant Classification Sherloc (09022015). Collection method: clinical testing. Allele origin: germline.

PreventionGenetics, part of Exact Sciences
Classification: Uncertain significance for COL5A1-related condition. Last evaluated: 2024-07-24. Review status: no assertion criteria provided. Collection method: clinical testing. Allele origin: germline. Not counted in ClinVar's aggregate classification.
Comment: The COL5A1 c.1157C>T variant is predicted to result in the amino acid substitution p.Ser386Phe. To our knowledge, this variant has not been reported in the literature. This variant is reported in 0.0045% of alleles in individuals of European (Non-Finnish) descent in gnomAD. At this time, the clinical significance of this variant is uncertain due to the absence of conclusive functional and genetic evidence.